The following is an entry in ClinVar:

NM_004655.4(AXIN2):c.1111G>A (p.Ala371Thr)

Gene: AXIN2 (axin 2; minus strand). Cytogenetic location: 17q24.1.
Variant type: single nucleotide variant.
Coding change: c.1111G>A on transcript NM_004655.4 (MANE Select); coding-DNA position 1111, G replaced by A.
Protein change: p.Ala371Thr; replaces alanine 371 with threonine.
Molecular consequence: missense variant.
Genome position (GRCh38, 1-based): chr17:65,538,292, C>T on the plus strand (G>A on the coding strand, the complement: AXIN2 is on the minus strand). VCF-style: chr17-65538292-C-T. GRCh37 (hg19) VCF-style: chr17-63534410-C-T.
Other names: c.1111G>A, p.Ala371Thr (NM_001363813.1); c.1111G>A (LRG_296t1); short protein forms A371T.
Identifiers: ClinVar variation 464518 (VCV000464518.8), dbSNP rs1555578525, ClinGen allele CA400678437.

ClinVar aggregate classification (germline): Uncertain significance (1 of 4 stars; one submission).

Conditions:
Oligodontia-cancer predisposition syndrome. Also called: TOOTH AGENESIS-COLORECTAL CANCER SYNDROME. Identifiers: Orphanet 300576, MedGen C1837750, MONDO:0012075, OMIM 608615. Disease mechanism: loss of function.

Allele frequency attached by ClinVar (database versions not stated): gnomAD exomes below 0.00001.
gnomAD v4.1: 1 of 1,614,222 alleles (0.000062%); highest among the groups gnomAD compares: Non-Finnish European, 0.000085%; no homozygotes.

Submission:

Labcorp Genetics (formerly Invitae), Labcorp
Classification: Uncertain significance for Oligodontia-cancer predisposition syndrome. Last evaluated: 2017-05-09. Review status: criteria provided, single submitter. Criteria: Invitae Variant Classification Sherloc (09022015). Collection method: clinical testing. Allele origin: germline.
Comment: This sequence change replaces alanine with threonine at codon 371 of the AXIN2 protein (p.Ala371Thr). The alanine residue is highly conserved and there is a small physicochemical difference between alanine and threonine. Algorithms developed to predict the effect of missense changes on protein structure and function do not agree on the potential impact of this missense change (SIFT: "Deleterious"; PolyPhen-2: "Probably Damaging"; Align-GVGD: "Class C0"). In summary, this variant is a novel missense change with uncertain impact on protein function. It has been classified as a Variant of Uncertain Significance. This variant is not present in population databases (ExAC no frequency) and has not been reported in the literature in individuals with a AXIN2-related disease.